The following is an entry in ClinVar:

ClinVar aggregate classification (germline): Uncertain significance (1 of 4 stars; one submission).

Submission:

GeneDx
Classification: Uncertain significance. Last evaluated: 2022-07-26. Review status: criteria provided, single submitter. Criteria: GeneDx Variant Classification Process June 2021. Collection method: clinical testing. Allele origin: germline. Affected: yes.
Comment: Not observed at significant frequency in large population cohorts (gnomAD); In silico analysis supports that this missense variant has a deleterious effect on protein structure/function; Has not been previously published as pathogenic or benign to our knowledge

NM_000186.4(CFH):c.1325G>A (p.Cys442Tyr)

Gene: CFH (complement factor H; plus strand). Cytogenetic location: 1q31.3.
Variant type: single nucleotide variant.
Coding change: c.1325G>A on transcript NM_000186.4 (MANE Select); coding-DNA position 1325, G replaced by A.
Protein change: p.Cys442Tyr; replaces cysteine 442 with tyrosine.
Molecular consequence: missense variant.
Genome position (GRCh38, 1-based): chr1:196,690,228, G>A. VCF-style: chr1-196690228-G-A. GRCh37 (hg19) VCF-style: chr1-196659358-G-A.
Other names: c.1325G>A, p.Cys442Tyr (NM_001014975.3); short protein forms C442Y.
Identifiers: ClinVar variation 2412964 (VCV002412964.2), dbSNP rs2529389189, ClinGen allele CA343980857.
Genomic context (GRCh38, chr1:196,690,228, plus strand): 5'-TTCCAAAAGCGCAGACCACAGTTACATGTATGGAGAATGGCTGGTCTCCTACTCCCAGAT[G>A]CATCCGTGTCAGTAAGTACACTACTCTGAAATCCTAGCATGTTCATGTCTTTCTAAGTAA-3'
Protein context (NP_000177.2, residues 432-452): MENGWSPTPR[Cys442Tyr]IRVKTCSKSS